The following is an entry in ClinVar:

ClinVar aggregate classification (germline): Conflicting classifications of pathogenicity. Review status: criteria provided, conflicting classifications (1 of 4 stars). 3 submissions from 3 submitters: Uncertain significance (1); Likely benign (2). Last evaluated 2025-12-29.

Allele frequency attached by ClinVar (database versions not stated): 1000 Genomes Project 0.00020; 1000 Genomes Project 30x 0.00031; ESP Exome Variant Server 0.00046; gnomAD 0.00058 and 0.00062; TOPMed 0.00069.

Submissions (3):

Labcorp Genetics (formerly Invitae), Labcorp
Classification: Likely benign. Last evaluated: 2025-12-29. Review status: criteria provided, single submitter. Criteria: Invitae Variant Classification Sherloc (09022015). Collection method: clinical testing. Allele origin: germline.

Blueprint Genetics
Classification: Likely benign. Last evaluated: 2023-06-07. Review status: criteria provided, single submitter. Criteria: ACMG Guidelines, 2015. Collection method: clinical testing. Allele origin: germline.

GeneDx
Classification: Uncertain significance. Last evaluated: 2023-01-11. Review status: criteria provided, single submitter. Criteria: GeneDx Variant Classification Process June 2021. Collection method: clinical testing. Allele origin: germline. Affected: yes.
Comment: In silico analysis supports that this missense variant does not alter protein structure/function; Has not been previously published as pathogenic or benign to our knowledge

NM_032730.5(RTN4IP1):c.335G>A (p.Gly112Glu)

Gene: RTN4IP1 (reticulon 4 interacting protein 1; minus strand). Cytogenetic location: 6q21.
Variant type: single nucleotide variant.
Coding change: c.335G>A on transcript NM_032730.5 (MANE Select); coding-DNA position 335, G replaced by A.
Protein change: p.Gly112Glu; replaces glycine 112 with glutamic acid.
Molecular consequence: missense variant.
Genome position (GRCh38, 1-based): chr6:106,622,909, C>T on the plus strand (G>A on the coding strand, the complement: RTN4IP1 is on the minus strand). VCF-style: chr6-106622909-C-T. GRCh37 (hg19) VCF-style: chr6-107070784-C-T.
Other names: c.35G>A, p.Gly12Glu (NM_001318746.1); short protein forms G112E, G12E.
Identifiers: ClinVar variation 800226 (VCV000800226.12), dbSNP rs143924605, ClinGen allele CA3944535.